The following is an entry in ClinVar:

ClinVar aggregate classification (germline): Benign/Likely benign. Review status: criteria provided, multiple submitters, no conflicts (2 of 4 stars). 8 submissions from 7 submitters: Benign (4); Likely benign (2). 2 of the submissions do not count toward it. Last evaluated 2026-02-02.

Conditions:
Myofibromatosis, infantile, 1. Also called: Myofibromatosis, juvenile. Identifiers: Orphanet 2591, MedGen C4551572, MONDO:0009227, OMIM 228550.
Acroosteolysis-keloid-like lesions-premature aging syndrome. Also called: Premature aging syndrome, Penttinen type; Prematurely aged appearance, delayed bone maturation, acro-osteolysis, and brachydactyly; Progeroid syndrome, Penttinen type. Identifiers: Orphanet 363665, MedGen C1866182, MONDO:0011150, OMIM 601812.
Skeletal overgrowth-craniofacial dysmorphism-hyperelastic skin-white matter lesions syndrome. Also called: SKELETAL OVERGROWTH WITH FACIAL DYSMORPHISM, HYPERELASTIC SKIN, WHITE MATTER LESIONS, AND NEUROLOGIC DETERIORATION; Kosaki overgrowth syndrome. Identifiers: Orphanet 477831, MedGen C4225270, MONDO:0014704, OMIM 616592.
Basal ganglia calcification, idiopathic, 4 (PFBC4). Also called: Familial Idiopathic Basal Ganglia Calcification 4; PRIMARY FAMILIAL BRAIN CALCIFICATION 4, AUTOSOMAL DOMINANT. Identifiers: Orphanet 1980, MedGen C3554321, MONDO:0014004, OMIM 615007.
Infantile myofibromatosis (IMF). Also called: Congenital generalized fibromatosis. Identifiers: Orphanet 2591, MedGen C0432284, MONDO:0016824.
Myeloproliferative disorder, chronic, with eosinophilia. Also called: EOSINOPHILS, MALIGNANT PROLIFERATION OF; Malignant eosinophil proliferation. Identifiers: MedGen C1851585, MONDO:0007546, OMIM 131440, HP:0006782.

Allele frequency attached by ClinVar (database versions not stated): ExAC 0.01868; 1000 Genomes Project 30x 0.01046; gnomAD 0.01913 and 0.01976; TOPMed 0.02118; gnomAD exomes 0.02330 and 0.01954; 1000 Genomes Project 0.01078; ESP Exome Variant Server 0.01884.
gnomAD v4.1: 36,951 of 1,614,120 alleles (2.3%); highest among the groups gnomAD compares: Middle Eastern, 3.8%; 484 homozygotes.

Submissions (8):

Labcorp Genetics (formerly Invitae), Labcorp
Classification: Benign for Basal ganglia calcification, idiopathic, 4; Skeletal overgrowth-craniofacial dysmorphism-hyperelastic skin-white matter lesions syndrome; Infantile myofibromatosis; Acroosteolysis-keloid-like lesions-premature aging syndrome. Last evaluated: 2026-02-02. Review status: criteria provided, single submitter. Criteria: Invitae Variant Classification Sherloc (09022015). Collection method: clinical testing. Allele origin: germline.

KCCC/NGS Laboratory, Kuwait Cancer Control Center
Classification: Benign for Myofibromatosis, infantile, 1. Last evaluated: 2025-02-01. Review status: criteria provided, single submitter. Criteria: ACMG Guidelines, 2015. Collection method: clinical testing. Allele origin: germline. Affected: no.

GeneDx
Classification: Likely benign. Last evaluated: 2023-10-12. Review status: criteria provided, single submitter. Criteria: GeneDx Variant Classification Process June 2021. Collection method: clinical testing. Allele origin: germline. Affected: yes.
Comment: See Variant Classification Assertion Criteria.

KCCC/NGS Laboratory, Kuwait Cancer Control Center
Classification: Benign for Myeloproliferative disorder, chronic, with eosinophilia. Last evaluated: 2023-07-07. Review status: criteria provided, single submitter. Criteria: ACMG Guidelines, 2015. Collection method: clinical testing. Allele origin: germline. Affected: yes.

Mayo Clinic Laboratories, Mayo Clinic
Classification: Benign. Last evaluated: 2023-03-09. Review status: criteria provided, single submitter. Criteria: ACMG Guidelines, 2015. Collection method: clinical testing. Allele origin: germline. Observed: 40 variant alleles.
Comment: BS1, BS2, BP4

Breakthrough Genomics
Classification: Likely benign. Review status: criteria provided, single submitter. Criteria: ACMG Guidelines, 2015. Collection method: not provided. Allele origin: germline. Inheritance: Autosomal dominant inheritance. Affected: yes.

Genome Diagnostics Laboratory, Amsterdam University Medical Center
Classification: Benign. Review status: no assertion criteria provided. Collection method: clinical testing. Allele origin: germline. Affected: yes. Study: VKGL Data-share Consensus. Not counted in ClinVar's aggregate classification.

Laboratory of Diagnostic Genome Analysis, Leiden University Medical Center (LUMC)
Classification: Benign. Review status: no assertion criteria provided. Collection method: clinical testing. Allele origin: germline. Affected: yes. Study: VKGL Data-share Consensus. Not counted in ClinVar's aggregate classification.

NM_002609.4(PDGFRB):c.1453G>A (p.Glu485Lys)

Gene: PDGFRB (platelet derived growth factor receptor beta; minus strand). Cytogenetic location: 5q32.
Variant type: single nucleotide variant.
Coding change: c.1453G>A on transcript NM_002609.4 (MANE Select); coding-DNA position 1453, G replaced by A.
Protein change: p.Glu485Lys; replaces glutamic acid 485 with lysine.
Molecular consequence: missense variant.
Genome position (GRCh38, 1-based): chr5:150,129,883, C>T on the plus strand (G>A on the coding strand, the complement: PDGFRB is on the minus strand). VCF-style: chr5-150129883-C-T. GRCh37 (hg19) VCF-style: chr5-149509446-C-T.
Other names: p.Glu485Lys; c.1261G>A, p.Glu421Lys (NM_001355016.2); c.970G>A, p.Glu324Lys (NM_001355017.2); short protein forms E485K, E324K, E421K.
Identifiers: ClinVar variation 473402 (VCV000473402.21), dbSNP rs41287110, ClinGen allele CA3507973.